The following is an entry in ClinVar:

NM_003072.5(SMARCA4):c.2370C>T (p.Ile790=)

Gene: SMARCA4 (SWI/SNF related BAF chromatin remodeling complex subunit ATPase 4; plus strand). Cytogenetic location: 19p13.2.
Variant type: single nucleotide variant.
Coding change: c.2370C>T on transcript NM_003072.5 (MANE Select); coding-DNA position 2370, C replaced by T.
Protein change: p.Ile790=; no amino-acid change (isoleucine 790 retained).
Molecular consequence: synonymous variant. On other transcripts: non-coding transcript variant (1).
Genome position (GRCh38, 1-based): chr19:11,013,044, C>T. VCF-style: chr19-11013044-C-T. GRCh37 (hg19) VCF-style: chr19-11123720-C-T.
Other names: c.2370C>T, p.Ile790= (NM_001128844.3, NM_001128845.2, NM_001128846.2 and 5 more transcripts).
Identifiers: ClinVar variation 470305 (VCV000470305.21), dbSNP rs144693208, ClinGen allele CA9204089.

ClinVar aggregate classification (germline): Benign/Likely benign. Review status: criteria provided, multiple submitters, no conflicts (2 of 4 stars). 5 submissions from 5 submitters: Benign (1); Likely benign (4). Last evaluated 2026-07-13.

Conditions:
SMARCA4-related disorder. Also called: SMARCA4-related condition.
Rhabdoid tumor predisposition syndrome 2 (RTPS2). Identifiers: Orphanet 231108, Orphanet 69077, MedGen C2750074, MONDO:0013224, OMIM 613325.
Hereditary cancer-predisposing syndrome. Also called: Hereditary Cancer Syndrome; Hereditary neoplastic syndrome; Neoplastic Syndromes, Hereditary; Tumor predisposition. Identifiers: Orphanet 140162, MedGen C0027672, MeSH D009386, MONDO:0015356.

Allele frequency attached by ClinVar (database versions not stated): gnomAD 0.00002 and 0.00001; ESP Exome Variant Server 0.00015; gnomAD exomes 0.00001; TOPMed 0.00003.
gnomAD v4.1: 21 of 1,614,162 alleles (0.0013%); highest among the groups gnomAD compares: South Asian, 0.0088%; no homozygotes.

Submissions (5):

Myriad Genetics, Inc.
Classification: Benign for Rhabdoid tumor predisposition syndrome 2. Last evaluated: 2026-07-13. Review status: criteria provided, single submitter. Criteria: Myriad Autosomal Dominant, Autosomal Recessive and X-Linked Classification Criteria (2023). Collection method: clinical testing. Allele origin: unknown.
Comment: This variant is considered benign. This variant is a silent/synonymous amino acid change and it is not expected to impact splicing.

Labcorp Genetics (formerly Invitae), Labcorp
Classification: Likely benign for Rhabdoid tumor predisposition syndrome 2. Last evaluated: 2025-12-28. Review status: criteria provided, single submitter. Criteria: Invitae Variant Classification Sherloc (09022015). Collection method: clinical testing. Allele origin: germline.

PreventionGenetics, part of Exact Sciences
Classification: Likely benign for SMARCA4-related condition. Last evaluated: 2025-03-28. Review status: criteria provided, single submitter. Criteria: ACMG Guidelines, 2015. Collection method: clinical testing. Allele origin: germline.
Comment: This variant is classified as likely benign based on ACMG/AMP sequence variant interpretation guidelines (Richards et al. 2015 PMID: 25741868, with internal and published modifications).

GeneDx
Classification: Likely benign. Last evaluated: 2020-02-25. Review status: criteria provided, single submitter. Criteria: GeneDx Variant Classification Process June 2021. Collection method: clinical testing. Allele origin: germline. Affected: yes.

Ambry Genetics
Classification: Likely benign for Hereditary cancer-predisposing syndrome. Last evaluated: 2016-08-22. Review status: criteria provided, single submitter. Criteria: Ambry Variant Classification Scheme 2023. Collection method: clinical testing. Allele origin: germline.